The following is an entry in ClinVar:

NM_032442.3(NEURL4):c.4579G>A (p.Ala1527Thr)

Gene: NEURL4 (neuralized E3 ubiquitin protein ligase 4; minus strand). Cytogenetic location: 17p13.1.
Variant type: single nucleotide variant.
Coding change: c.4579G>A on transcript NM_032442.3 (MANE Select); coding-DNA position 4579, G replaced by A.
Protein change: p.Ala1527Thr; replaces alanine 1527 with threonine.
Molecular consequence: missense variant.
Genome position (GRCh38, 1-based): chr17:7,316,233, C>T on the plus strand (G>A on the coding strand, the complement: NEURL4 is on the minus strand). VCF-style: chr17-7316233-C-T. GRCh37 (hg19) VCF-style: chr17-7219552-C-T.
Other names: c.4573G>A, p.Ala1525Thr (NM_001005408.2); short protein forms A1525T, A1527T.
Identifiers: ClinVar variation 3390331 (VCV003390331.14).
Genomic context (GRCh38, chr17:7,316,233, plus strand): 5'-TAGTGACCCACTCAAGTTCGGCTGGACTGAAGTGAGGGTCAGGAGGTTCTCCAAGGGCAG[C>T]GGAAGGGGGTCCCGGGGTGTAGGAGCCAGGGCGCACACACACCTGGAACGCCACCTGAGC-3'
Protein context (NP_115818.2, residues 1517-1537): PGSYTPGPPS[Ala1527Thr]ALGEPPDPHF

ClinVar aggregate classification (germline): Likely benign (1 of 4 stars; one submission).

gnomAD v4.1: 1,058 of 1,613,772 alleles (0.066%); highest among the groups gnomAD compares: Middle Eastern, 0.084%; 4 homozygotes.

Submission:

CeGaT Center for Human Genetics Tuebingen
Classification: Likely benign. Last evaluated: 2024-10-01. Review status: criteria provided, single submitter. Criteria: CeGaT Center For Human Genetics Tuebingen Variant Classification Criteria Version 2. Collection method: clinical testing. Allele origin: germline. Affected: yes. Observed: 1 variant allele.
Comment: NEURL4: BS2